The following is an entry in ClinVar:

ClinVar aggregate classification (germline): Uncertain significance (1 of 4 stars; one submission).

Submission:

Women's Health and Genetics/Laboratory Corporation of America, LabCorp
Classification: Uncertain significance. Last evaluated: 2019-02-10. Review status: criteria provided, single submitter. Criteria: LabCorp Variant Classification Summary - May 2015. Collection method: clinical testing. Allele origin: germline.
Comment: Variant summary: ADRA2B c.636dupG (p.Pro213AlafsX5) results in a premature termination codon, predicted to cause a truncation of the encoded protein or absence of the protein due to nonsense mediated decay. A truncation downstream of this variant, c.664C>T (p.Arg222X) has been reported in ClinVar with a classification of likely pathogenic, although a condition associated with the variant is not reported. Another publication, De Fusco (PMID: 24114805) reports an in-frame deletion/insertion, which the authors suggest a gain-of-function as a mechanism for disease. The variant was found in 6/245092 control chromosomes (gnomAD), however, failed quality filter. To our knowledge, no occurrence of c.636dupG in individuals affected with Epilepsy, familial adult myoclonic and no experimental evidence demonstrating its impact on protein function have been reported. No clinical diagnostic laboratories have submitted clinical-significance assessments for this variant to ClinVar after 2014. Based on the evidence outlined above, the variant was classified as uncertain significance.

NM_000682.7(ADRA2B):c.636dup (p.Pro213fs)

Gene: ADRA2B (adrenoceptor alpha 2B; minus strand). Cytogenetic location: 2q11.2.
Variant type: Duplication.
Coding change: c.636dup on transcript NM_000682.7 (MANE Select); coding-DNA position 636, one base duplicated (G; older notation c.636dupG).
Protein change: p.Pro213fs; shifts the reading frame from proline 213.
Molecular consequence: frameshift variant.
Genome position (GRCh38, 1-based): chr2:96,115,514, C duplicated on the plus strand (G on the coding strand, the reverse complement: ADRA2B is on the minus strand); the first of 7 consecutive C bases (chr2:96,115,514-96,115,520); duplicating any one gives the same sequence. VCF-style (leftmost placement, unchanged base first): chr2-96115513-G-GC. GRCh37 (hg19) VCF-style: chr2-96781252-G-GC.
Other names: short protein forms P213fs.
Identifiers: ClinVar variation 929047 (VCV000929047.1), dbSNP rs756613487, ClinGen allele CA1775950.
Genomic context (GRCh38, chr2:96,115,513, plus strand): 5'-TGGCTGAGGCCAAAGCCCCACCATGGTCGGGTCGGGGCTGCTTGGACTCACCCTGCCCAG[G>GC]CCCCCCCTTGGCCCTGGGACCTCTGCGGTTGCTGCGTTTGGCGATCAGGTAGATGCGCAG-3'